The following is an entry in ClinVar:

ClinVar aggregate classification (germline): Pathogenic (1 of 4 stars; one submission).

Conditions:
Autosomal recessive Alport syndrome (ATS2). Also called: COL4A4 Alport Syndrome and Thin Basement Membrane Nephropathy; ALPORT SYNDROME 2, AUTOSOMAL RECESSIVE; Alport syndrome type 2; COL4A3-Related Nephropathy. Identifiers: Orphanet 63, Orphanet 88919, MedGen C4746745, MONDO:0008762, OMIM 203780.

Submission:

MVZ Medizinische Genetik Mainz
Classification: Pathogenic for Autosomal recessive Alport syndrome. Last evaluated: 2024-01-05. Review status: criteria provided, single submitter. Criteria: UK Practice Guidelines For Variant Classification V4 01 2020. Collection method: clinical testing. Allele origin: germline. Inheritance: Autosomal dominant inheritance. Affected: yes. Observed: 1 variant allele.
Comment: ACMG Criteria: PVS1,PM2_SUP,PP4

NM_000092.5(COL4A4):c.3471_3472dup (p.Asp1158fs)

Gene: COL4A4 (collagen type IV alpha 4 chain; minus strand). Cytogenetic location: 2q36.3.
Variant type: Duplication.
Coding change: c.3471_3472dup on transcript NM_000092.5 (MANE Select); coding-DNA positions 3471 to 3472, 2 bases duplicated (GG; older notation c.3471_3472dupGG).
Protein change: p.Asp1158fs; shifts the reading frame from aspartic acid 1158.
Molecular consequence: frameshift variant.
Genome position (GRCh38, 1-based): chr2:227,042,181-227,042,182, CC duplicated on the plus strand (GG on the coding strand, the reverse complement: COL4A4 is on the minus strand); duplicating any 2 consecutive bases within chr2:227,042,181-227,042,185 gives the same sequence; the c. name uses the placement nearest the transcript's 3' end. VCF-style (leftmost placement, unchanged base first): chr2-227042180-T-TCC. GRCh37 (hg19) VCF-style: chr2-227906896-T-TCC.
Other names: short protein forms D1158fs.
Identifiers: ClinVar variation 3236349 (VCV003236349.1), dbSNP rs2473690796, ClinGen allele CA2663406954.